The following is an entry in ClinVar:

ClinVar aggregate classification (germline): Uncertain significance (1 of 4 stars; one submission).

Conditions:
Hereditary nonpolyposis colorectal neoplasms. Identifiers: MedGen C0009405, MeSH D003123.

Submission:

Labcorp Genetics (formerly Invitae), Labcorp
Classification: Uncertain significance for Hereditary nonpolyposis colorectal neoplasms. Last evaluated: 2023-02-04. Review status: criteria provided, single submitter. Criteria: Invitae Variant Classification Sherloc (09022015). Collection method: clinical testing. Allele origin: germline.
Comment: This sequence change replaces leucine, which is neutral and non-polar, with methionine, which is neutral and non-polar, at codon 671 of the MSH6 protein (p.Leu671Met). This variant is not present in population databases (gnomAD no frequency). This variant has not been reported in the literature in individuals affected with MSH6-related conditions. Advanced modeling of protein sequence and biophysical properties (such as structural, functional, and spatial information, amino acid conservation, physicochemical variation, residue mobility, and thermodynamic stability) performed at Invitae indicates that this missense variant is not expected to disrupt MSH6 protein function. In summary, the available evidence is currently insufficient to determine the role of this variant in disease. Therefore, it has been classified as a Variant of Uncertain Significance.

NM_000179.3(MSH6):c.2011T>A (p.Leu671Met)

Gene: MSH6 (mutS homolog 6; plus strand). Cytogenetic location: 2p16.3.
Variant type: single nucleotide variant.
Coding change: c.2011T>A on transcript NM_000179.3 (MANE Select); coding-DNA position 2011, T replaced by A.
Protein change: p.Leu671Met; replaces leucine 671 with methionine.
Molecular consequence: missense variant. On other transcripts: non-coding transcript variant (5), intron variant (2).
Genome position (GRCh38, 1-based): chr2:47,799,994, T>A. VCF-style: chr2-47799994-T-A. GRCh37 (hg19) VCF-style: chr2-48027133-T-A.
Other names: c.1486T>A, p.Leu496Met (NM_001406806.1, NM_001406807.1, NM_001406799.1); c.2011T>A, p.Leu671Met (NM_001406808.1, NM_001406809.1, NM_001406796.1 and 3 more transcripts); c.1105T>A, p.Leu369Met (NM_001406811.1, NM_001406812.1, NM_001406814.1 and 6 more transcripts); c.2017T>A, p.Leu673Met (NM_001406813.1); c.1621T>A, p.Leu541Met (NM_001281492.2); c.2107T>A, p.Leu703Met (NM_001406795.1, NM_001406802.1); c.1714T>A, p.Leu572Met (NM_001406797.1, NM_001406801.1, NM_001406805.1 and 10 more transcripts); c.1933T>A, p.Leu645Met (NM_001406804.1); and 3 more; short protein forms L671M, L673M, L369M, L572M, L496M, L541M, L615M, L645M.
Identifiers: ClinVar variation 2834364 (VCV002834364.3), dbSNP rs2104382763, ClinGen allele CA346750682.
Genomic context (GRCh38, chr2:47,799,994, plus strand): 5'-ATTGGGGTGATGTTACCCCAGGTGCTTAAAGGTATGACTTCAGAGTCTGATTCCATTGGG[T>A]TGACACCAGGAGAGAAAAGTGAATTGGCCCTCTCTGCTCTAGGTGGTTGTGTCTTCTACC-3'
Protein context (NP_000170.1, residues 661-681): GMTSESDSIG[Leu671Met]TPGEKSELAL